The following is an entry in ClinVar:

NM_173500.4(TTBK2):c.1483G>A (p.Val495Ile)

Gene: TTBK2 (tau tubulin kinase 2; minus strand). Cytogenetic location: 15q15.2.
Variant type: single nucleotide variant.
Coding change: c.1483G>A on transcript NM_173500.4 (MANE Select); coding-DNA position 1483, G replaced by A.
Protein change: p.Val495Ile; replaces valine 495 with isoleucine.
Molecular consequence: missense variant.
Genome position (GRCh38, 1-based): chr15:42,775,650, C>T on the plus strand (G>A on the coding strand, the complement: TTBK2 is on the minus strand). VCF-style: chr15-42775650-C-T. GRCh37 (hg19) VCF-style: chr15-43067848-C-T.
Other names: short protein forms V495I.
Identifiers: ClinVar variation 2721358 (VCV002721358.4), dbSNP rs755173026, ClinGen allele CA7516881.

ClinVar aggregate classification (germline): Uncertain significance. Review status: criteria provided, multiple submitters, no conflicts (2 of 4 stars). 2 submissions from 2 submitters: Uncertain significance (2). Last evaluated 2024-11-08.

Conditions:
Inborn genetic diseases. Identifiers: MedGen C0950123, MeSH D030342.

Allele frequency attached by ClinVar (database versions not stated): ExAC 0.00002; gnomAD exomes 0.00002; gnomAD 0.00003; TOPMed 0.00003.
gnomAD v4.1: 38 of 1,612,958 alleles (0.0024%); highest among the groups gnomAD compares: Admixed American, 0.01%; no homozygotes.

Submissions (2):

Ambry Genetics
Classification: Uncertain significance for Inborn genetic diseases. Last evaluated: 2024-11-08. Review status: criteria provided, single submitter. Criteria: Ambry Variant Classification Scheme 2023. Collection method: clinical testing. Allele origin: germline.

Labcorp Genetics (formerly Invitae), Labcorp
Classification: Uncertain significance. Last evaluated: 2022-12-10. Review status: criteria provided, single submitter. Criteria: Invitae Variant Classification Sherloc (09022015). Collection method: clinical testing. Allele origin: germline.
Comment: This variant is present in population databases (rs755173026, gnomAD 0.02%). This variant has not been reported in the literature in individuals affected with TTBK2-related conditions. Advanced modeling of protein sequence and biophysical properties (such as structural, functional, and spatial information, amino acid conservation, physicochemical variation, residue mobility, and thermodynamic stability) performed at Invitae indicates that this missense variant is not expected to disrupt TTBK2 protein function. In summary, the available evidence is currently insufficient to determine the role of this variant in disease. Therefore, it has been classified as a Variant of Uncertain Significance. This sequence change replaces valine, which is neutral and non-polar, with isoleucine, which is neutral and non-polar, at codon 495 of the TTBK2 protein (p.Val495Ile).